The following is an entry in ClinVar:

ClinVar aggregate classification (germline): Likely benign. Review status: criteria provided, multiple submitters, no conflicts (2 of 4 stars). 3 submissions from 3 submitters: Likely benign (3). Last evaluated 2026-08-01.

Conditions:
Glycogen storage disease type III (GSD3). Also called: Cori disease; FORBES DISEASE. Identifiers: Orphanet 366, MedGen C0017922, MONDO:0009291, OMIM 232400.

Allele frequency attached by ClinVar (database versions not stated): gnomAD exomes below 0.00001 and 0.00001; ExAC 0.00001.

Submissions (3):

CeGaT Center for Human Genetics Tuebingen
Classification: Likely benign. Last evaluated: 2026-08-01. Review status: criteria provided, single submitter. Criteria: CeGaT Center For Human Genetics Tuebingen Variant Classification Criteria Version 2. Collection method: clinical testing. Allele origin: germline. Affected: yes. Observed: 1 variant allele.
Comment: AGL: BP4, BP7

Blueprint Genetics
Classification: Likely benign. Last evaluated: 2024-11-05. Review status: criteria provided, single submitter. Criteria: ACMG Guidelines, 2015. Collection method: clinical testing. Allele origin: germline.

Labcorp Genetics (formerly Invitae), Labcorp
Classification: Likely benign for Glycogen storage disease type III. Last evaluated: 2023-08-11. Review status: criteria provided, single submitter. Criteria: Invitae Variant Classification Sherloc (09022015). Collection method: clinical testing. Allele origin: germline.

NM_000642.3(AGL):c.1347A>G (p.Pro449=)

Gene: AGL (amylo-alpha-1,6-glucosidase and 4-alpha-glucanotransferase; plus strand). Cytogenetic location: 1p21.2.
Variant type: single nucleotide variant.
Coding change: c.1347A>G on transcript NM_000642.3 (MANE Select); coding-DNA position 1347, A replaced by G.
Protein change: p.Pro449=; no amino-acid change (proline 449 retained).
Molecular consequence: synonymous variant.
Genome position (GRCh38, 1-based): chr1:99,876,521, A>G. VCF-style: chr1-99876521-A-G. GRCh37 (hg19) VCF-style: chr1-100342077-A-G.
Other names: c.1347A>G, p.Pro449= (NM_000028.3, NM_000643.3, NM_000644.3 and 2 more transcripts); c.1299A>G, p.Pro433= (NM_000646.3); c.1146A>G, p.Pro382= (NM_001425327.1); c.1143A>G, p.Pro381= (NM_001425328.1, NM_001425329.1); c.969A>G, p.Pro323= (NM_001425332.1).
Identifiers: ClinVar variation 1639127 (VCV001639127.10), dbSNP rs777389017, ClinGen allele CA966465.
Genomic context (GRCh38, chr1:99,876,521, plus strand): 5'-TTTTACTTTCCCATTTGAAGAGATAGACTTCTCCATGGAAGAATCTATGATTCATCTGCC[A>G]AATAAAGCTTGTTTTCTGATGGCACACAATGGATGGGTAATGGGAGATGATCCTCTTCGA-3'
Protein context (NP_000633.2, residues 439-459): FSMEESMIHL[Pro449=]NKACFLMAHN